The following is an entry in ClinVar:

NM_001904.4(CTNNB1):c.1597A>G (p.Ile533Val)

Genes: CTNNB1 (catenin beta 1; plus strand), LOC126806659 (BRD4-independent group 4 enhancer GRCh37_chr3:41274918-41276117; plus strand). Cytogenetic location: 3p22.1.
Variant type: single nucleotide variant.
Coding change: c.1597A>G on transcript NM_001904.4 (MANE Select); coding-DNA position 1597, A replaced by G.
Protein change: p.Ile533Val; replaces isoleucine 533 with valine.
Molecular consequence: missense variant.
Genome position (GRCh38, 1-based): chr3:41,234,211, A>G. VCF-style: chr3-41234211-A-G. GRCh37 (hg19) VCF-style: chr3-41275702-A-G.
Other names: c.1597A>G, p.Ile533Val (NM_001098209.2, NM_001098210.2); c.1576A>G, p.Ile526Val (NM_001330729.2); c.1597A>G (NM_001904.3); short protein forms I533V, I526V.
Identifiers: ClinVar variation 133951 (VCV000133951.2), dbSNP rs587778220, ClinGen allele CA158226.
Genomic context (GRCh38, chr3:41,234,211, plus strand): 5'-TTGATTCGAAATCTTGCCCTTTGTCCCGCAAATCATGCACCTTTGCGTGAGCAGGGTGCC[A>G]TTCCACGACTAGTTCAGTTGCTTGTTCGTGCACATCAGGATACCCAGCGCCGTACGTCCA-3'
Protein context (NP_001895.1, residues 523-543): NHAPLREQGA[Ile533Val]PRLVQLLVRA

ClinVar aggregate classification (germline): Uncertain significance. Review status: criteria provided, single submitter (1 of 4 stars). 2 submissions from 2 submitters: Uncertain significance (1). 1 of the submissions does not count toward it. Last evaluated 2023-04-11.

Allele frequency attached by ClinVar (database versions not stated): gnomAD exomes below 0.00001.
gnomAD v4.1: 1 of 1,614,200 alleles (0.000062%); highest among the groups gnomAD compares: Non-Finnish European, 0.000085%; no homozygotes.

Submissions (2):

GeneDx
Classification: Uncertain significance. Last evaluated: 2023-04-11. Review status: criteria provided, single submitter. Criteria: GeneDx Variant Classification Process June 2021. Collection method: clinical testing. Allele origin: germline. Affected: yes.
Comment: Not observed at significant frequency in large population cohorts (gnomAD); In silico analysis supports that this missense variant does not alter protein structure/function; This variant is associated with the following publications: (PMID: 24728327)

ITMI
No classification provided. Condition: AllHighlyPenetrant. Last evaluated: 2013-09-19. Review status: no classification provided. Collection method: reference population. Allele origin: germline. Not counted in ClinVar's aggregate classification.
Comment: Please see associated publication for description of ethnicities

Literature cited by the submitters: PubMed 24728327 (cited by ITMI).